The following is an entry in ClinVar:

NM_007294.4(BRCA1):c.5407-9G>C

Gene: BRCA1 (BRCA1 DNA repair associated; minus strand). Cytogenetic location: 17q21.31.
Variant type: single nucleotide variant.
Coding change: c.5407-9G>C on transcript NM_007294.4 (MANE Select); 9 bases into the intron before coding-DNA position 5407, G replaced by C.
Molecular consequence: intron variant.
Genome position (GRCh38, 1-based): chr17:43,047,712, C>G on the plus strand (G>C on the coding strand, the complement: BRCA1 is on the minus strand). VCF-style: chr17-43047712-C-G. GRCh37 (hg19) VCF-style: chr17-41199729-C-G.
Other names: c.1954-9G>C (NM_001408458.1, NM_001408461.1, NM_001408464.1 and 7 more transcripts); c.4516-9G>C (NM_001407967.1); c.5026-9G>C (NM_001407959.1); c.5140-9G>C (NM_001407931.1, NM_001407932.1, NM_001407928.1 and 4 more transcripts); c.5263-9G>C (NM_001407747.1, NM_001407745.1, NM_001407737.1 and 18 more transcripts); c.5023-9G>C (NM_001407962.1, NM_001407960.1); c.1594-9G>C (NM_001408512.1); c.1717-9G>C (NM_001408510.1); and 83 more.
Identifiers: ClinVar variation 531487 (VCV000531487.12), dbSNP rs551078372, ClinGen allele CA658798055.

ClinVar aggregate classification (germline): Likely benign (1 of 4 stars; one submission).

Conditions:
Hereditary breast ovarian cancer syndrome. Also called: Breast and ovarian cancer; Hereditary breast and/or ovarian cancer syndrome; BRCA1- and BRCA2-Associated Hereditary Breast and Ovarian Cancer; Hereditary breast and ovarian cancer syndrome; Hereditary breast and ovarian cancer syndrome (HBOC); Hereditary breast and ovarian cancer. Identifiers: Orphanet 145, MedGen C0677776, MeSH D061325, MONDO:0003582. Disease mechanism: loss of function.

Submissions (2):

Labcorp Genetics (formerly Invitae), Labcorp
Classification: Likely benign for Hereditary breast ovarian cancer syndrome. Last evaluated: 2023-07-07. Review status: criteria provided, single submitter. Criteria: Invitae Variant Classification Sherloc (09022015). Collection method: clinical testing. Allele origin: germline.

Brotman Baty Institute, University of Washington
No classification provided (evidence only). Condition: Breast-ovarian cancer, familial 1. Review status: no classification provided. Collection method: in vitro. Allele origin: not applicable. Functional consequence: functionally_normal. Not counted in ClinVar's aggregate classification.
ClinVar note: "not provided" was previously submitted as the classification for the variant. However, the classification appeared to be based only on an observation of functional data so it was converted to no classification on 2025-07-30.